The following is an entry in ClinVar:

ClinVar aggregate classification (germline): Uncertain significance (1 of 4 stars; one submission).

Submission:

Labcorp Genetics (formerly Invitae), Labcorp
Classification: Uncertain significance. Last evaluated: 2023-12-17. Review status: criteria provided, single submitter. Criteria: Invitae Variant Classification Sherloc (09022015). Collection method: clinical testing. Allele origin: germline.
Comment: This sequence change replaces proline, which is neutral and non-polar, with serine, which is neutral and polar, at codon 1332 of the COL2A1 protein (p.Pro1332Ser). This variant is not present in population databases (gnomAD no frequency). This variant has not been reported in the literature in individuals affected with COL2A1-related conditions. ClinVar contains an entry for this variant (Variation ID: 1375643). Advanced modeling of protein sequence and biophysical properties (such as structural, functional, and spatial information, amino acid conservation, physicochemical variation, residue mobility, and thermodynamic stability) performed at Invitae indicates that this missense variant is not expected to disrupt COL2A1 protein function with a negative predictive value of 80%. In summary, the available evidence is currently insufficient to determine the role of this variant in disease. Therefore, it has been classified as a Variant of Uncertain Significance.

NM_001844.5(COL2A1):c.3994C>T (p.Pro1332Ser)

Gene: COL2A1 (collagen type II alpha 1 chain; minus strand). Cytogenetic location: 12q13.11.
Variant type: single nucleotide variant.
Coding change: c.3994C>T on transcript NM_001844.5 (MANE Select); coding-DNA position 3994, C replaced by T.
Protein change: p.Pro1332Ser; replaces proline 1332 with serine.
Molecular consequence: missense variant.
Genome position (GRCh38, 1-based): chr12:47,974,755, G>A on the plus strand (C>T on the coding strand, the complement: COL2A1 is on the minus strand). VCF-style: chr12-47974755-G-A. GRCh37 (hg19) VCF-style: chr12-48368538-G-A.
Other names: c.3787C>T, p.Pro1263Ser (NM_033150.3); short protein forms P1263S, P1332S.
Identifiers: ClinVar variation 1375643 (VCV001375643.6), dbSNP rs2136508378, ClinGen allele CA384535731.